The following is an entry in ClinVar:

NM_000059.4(BRCA2):c.4291G>A (p.Ala1431Thr)

Gene: BRCA2 (BRCA2 DNA repair associated; plus strand). Cytogenetic location: 13q13.1.
Variant type: single nucleotide variant.
Coding change: c.4291G>A on transcript NM_000059.4 (MANE Select); coding-DNA position 4291, G replaced by A.
Protein change: p.Ala1431Thr; replaces alanine 1431 with threonine.
Molecular consequence: missense variant. On other transcripts: intron variant (2), non-coding transcript variant (1).
Genome position (GRCh38, 1-based): chr13:32,338,646, G>A. VCF-style: chr13-32338646-G-A. GRCh37 (hg19) VCF-style: chr13-32912783-G-A.
Other names: c.425-5912G>A (NM_001406722.1); c.4291G>A, p.Ala1431Thr (NM_001406719.1, NM_001406720.1); c.1909+5259G>A (NM_001406721.1); short protein forms A1431T.
Identifiers: ClinVar variation 2683819 (VCV002683819.4), dbSNP rs2137504870, ClinGen allele CA387780658.
Genomic context (GRCh38, chr13:32,338,646, plus strand): 5'-GCTACTAAAACGGAGCAAAATATAAAAGATTTTGAGACTTCTGATACATTTTTTCAGACT[G>A]CAAGTGGGAAAAATATTAGTGTCGCCAAAGAGTCATTTAATAAAATTGTAAATTTCTTTG-3'
Protein context (NP_000050.3, residues 1421-1441): FETSDTFFQT[Ala1431Thr]SGKNISVAKE

ClinVar aggregate classification (germline): Uncertain significance. Review status: criteria provided, single submitter (1 of 4 stars). 2 submissions from 2 submitters: Uncertain significance (1). 1 of the submissions does not count toward it. Last evaluated 2024-12-12.

Conditions:
Breast-ovarian cancer, familial, susceptibility to, 2 (BROVCA2). Also called: BRCA2 Hereditary Breast and Ovarian Cancer. Identifiers: Orphanet 145, MedGen C2675520, MONDO:0012933, OMIM 612555. Disease mechanism: loss of function.
Hereditary breast ovarian cancer syndrome. Also called: Breast and ovarian cancer; Hereditary breast and ovarian cancer; Hereditary breast and ovarian cancer syndrome; Hereditary breast and ovarian cancer syndrome (HBOC); Hereditary breast and/or ovarian cancer syndrome; BRCA1- and BRCA2-Associated Hereditary Breast and Ovarian Cancer. Identifiers: Orphanet 145, MedGen C0677776, MeSH D061325, MONDO:0003582. Disease mechanism: loss of function.

Submissions (2):

Labcorp Genetics (formerly Invitae), Labcorp
Classification: Uncertain significance for Hereditary breast ovarian cancer syndrome. Last evaluated: 2024-12-12. Review status: criteria provided, single submitter. Criteria: Invitae Variant Classification Sherloc (09022015). Collection method: clinical testing. Allele origin: germline.
Comment: This sequence change replaces alanine, which is neutral and non-polar, with threonine, which is neutral and polar, at codon 1431 of the BRCA2 protein (p.Ala1431Thr). This variant is not present in population databases (gnomAD no frequency). This missense change has been observed in individual(s) with breast cancer (PMID: 30254663). ClinVar contains an entry for this variant (Variation ID: 2683819). Invitae Evidence Modeling of protein sequence and biophysical properties (such as structural, functional, and spatial information, amino acid conservation, physicochemical variation, residue mobility, and thermodynamic stability) indicates that this missense variant is not expected to disrupt BRCA2 protein function with a negative predictive value of 95%. In summary, the available evidence is currently insufficient to determine the role of this variant in disease. Therefore, it has been classified as a Variant of Uncertain Significance.

Department of Medical and Surgical Sciences, University of Bologna
Classification: Likely benign for Breast-ovarian cancer, familial, susceptibility to, 2. Last evaluated: 2023-09-01. Review status: no assertion criteria provided. Collection method: clinical testing. Allele origin: germline. Affected: yes. Not counted in ClinVar's aggregate classification.
Comment: PM2(Supporting)+BP1(Strong) according to ACMG/AMP classification guidelines specified for BRCA1 & BRCA2 (Classification Criteria V1.0.0 2023-09-08) (PMID: 38160042)

Literature cited by the submitters: PubMed 30254663 (cited by Labcorp Genetics (formerly Invitae), Labcorp).